The following is an entry in ClinVar:

ClinVar aggregate classification (germline): Uncertain significance (1 of 4 stars; one submission).

Conditions:
Glycine encephalopathy. Also called: Non-ketotic hyperglycinemia; Nonketotic hyperglycinemia. Identifiers: Orphanet 407, MedGen C0751748, MONDO:0011612, HP:0008288.

Submission:

Labcorp Genetics (formerly Invitae), Labcorp
Classification: Uncertain significance for Glycine encephalopathy. Last evaluated: 2021-11-23. Review status: criteria provided, single submitter. Criteria: Invitae Variant Classification Sherloc (09022015). Collection method: clinical testing. Allele origin: germline.
Comment: In summary, the available evidence is currently insufficient to determine the role of this variant in disease. Therefore, it has been classified as a Variant of Uncertain Significance. Advanced modeling of protein sequence and biophysical properties (such as structural, functional, and spatial information, amino acid conservation, physicochemical variation, residue mobility, and thermodynamic stability) performed at Invitae indicates that this missense variant is expected to disrupt GLDC protein function. This variant has not been reported in the literature in individuals affected with GLDC-related conditions. This variant is not present in population databases (gnomAD no frequency). This sequence change replaces leucine, which is neutral and non-polar, with isoleucine, which is neutral and non-polar, at codon 363 of the GLDC protein (p.Leu363Ile).

NM_000170.3(GLDC):c.1087C>A (p.Leu363Ile)

Gene: GLDC (glycine decarboxylase; minus strand). Cytogenetic location: 9p24.1.
Variant type: single nucleotide variant.
Coding change: c.1087C>A on transcript NM_000170.3 (MANE Select); coding-DNA position 1087, C replaced by A.
Protein change: p.Leu363Ile; replaces leucine 363 with isoleucine.
Molecular consequence: missense variant.
Genome position (GRCh38, 1-based): chr9:6,602,177, G>T on the plus strand (C>A on the coding strand, the complement: GLDC is on the minus strand). VCF-style: chr9-6602177-G-T. GRCh37 (hg19) VCF-style: chr9-6602177-G-T.
Other names: short protein forms L363I.
Identifiers: ClinVar variation 1461087 (VCV001461087.6), dbSNP rs2129885472, ClinGen allele CA372894647.